The following is an entry in ClinVar:

ClinVar aggregate classification (germline): Uncertain significance (1 of 4 stars; one submission).

Conditions:
Hyperphosphatasia with impaired intellectual development syndrome 2. Also called: Hyperphosphatasia with intellectual disability syndrome 2; GLYCOSYLPHOSPHATIDYLINOSITOL BIOSYNTHESIS DEFECT 6. Identifiers: Orphanet 247262, MedGen C3553637, MONDO:0013882, OMIM 614749.

Submission:

Labcorp Genetics (formerly Invitae), Labcorp
Classification: Uncertain significance for Hyperphosphatasia with impaired intellectual development syndrome 2. Last evaluated: 2020-06-16. Review status: criteria provided, single submitter. Criteria: Invitae Variant Classification Sherloc (09022015). Collection method: clinical testing. Allele origin: germline.
Comment: This variant has not been reported in the literature in individuals with PIGO-related conditions. This sequence change replaces serine with cysteine at codon 474 of the PIGO protein (p.Ser474Cys). The serine residue is weakly conserved and there is a moderate physicochemical difference between serine and cysteine. This variant is not present in population databases (ExAC no frequency). Algorithms developed to predict the effect of missense changes on protein structure and function (SIFT, PolyPhen-2, Align-GVGD) all suggest that this variant is likely to be tolerated, but these predictions have not been confirmed by published functional studies and their clinical significance is uncertain. In summary, the available evidence is currently insufficient to determine the role of this variant in disease. Therefore, it has been classified as a Variant of Uncertain Significance.

NM_032634.4(PIGO):c.1421C>G (p.Ser474Cys)

Gene: PIGO (phosphatidylinositol glycan anchor biosynthesis class O; minus strand). Cytogenetic location: 9p13.3.
Variant type: single nucleotide variant.
Coding change: c.1421C>G on transcript NM_032634.4 (MANE Select); coding-DNA position 1421, C replaced by G.
Protein change: p.Ser474Cys; replaces serine 474 with cysteine.
Molecular consequence: missense variant. On other transcripts: intron variant (2).
Genome position (GRCh38, 1-based): chr9:35,092,466, G>C on the plus strand (C>G on the coding strand, the complement: PIGO is on the minus strand). VCF-style: chr9-35092466-G-C. GRCh37 (hg19) VCF-style: chr9-35092463-G-C.
Other names: c.1344+77C>G (NM_152850.4, NM_001201484.2); short protein forms S474C.
Identifiers: ClinVar variation 1005405 (VCV001005405.8), dbSNP rs1829474910, ClinGen allele CA373322149.